The following is an entry in ClinVar:

ClinVar aggregate classification (germline): Pathogenic/Likely pathogenic. Review status: criteria provided, multiple submitters, no conflicts (2 of 4 stars). 2 submissions from 2 submitters: Pathogenic (1); Likely pathogenic (1). Last evaluated 2023-08-19.

Conditions:
Renal tubular acidosis with progressive nerve deafness. Also called: RENAL TUBULAR ACIDOSIS, AUTOSOMAL RECESSIVE, WITH PROGRESSIVE NERVE DEAFNESS; RTA WITH PROGRESSIVE NERVE DEAFNESS; renal tubular acidosis, distal, 2, with progressive sensorineural hearing loss; Distal Renal Tubular Acidosis with Progressive Sensorineural Deafness. Identifiers: MedGen C0403554, MONDO:0009968, OMIM 267300.

Allele frequency attached by ClinVar (database versions not stated): gnomAD exomes 0.00001.

Submissions (2):

Labcorp Genetics (formerly Invitae), Labcorp
Classification: Pathogenic. Last evaluated: 2023-08-19. Review status: criteria provided, single submitter. Criteria: Invitae Variant Classification Sherloc (09022015). Collection method: clinical testing. Allele origin: germline.
Comment: This variant has not been reported in the literature in individuals affected with ATP6V1B1-related conditions. This sequence change creates a premature translational stop signal (p.Gln150*) in the ATP6V1B1 gene. It is expected to result in an absent or disrupted protein product. Loss-of-function variants in ATP6V1B1 are known to be pathogenic (PMID: 9916796, 18368028). This variant is present in population databases (no rsID available, gnomAD 0.0009%). ClinVar contains an entry for this variant (Variation ID: 2501126). For these reasons, this variant has been classified as Pathogenic.

Women's Health and Genetics/Laboratory Corporation of America, LabCorp
Classification: Likely pathogenic for Renal tubular acidosis with progressive nerve deafness. Last evaluated: 2023-03-23. Review status: criteria provided, single submitter. Criteria: LabCorp Variant Classification Summary - May 2015. Collection method: clinical testing. Allele origin: germline.
Comment: Variant summary: ATP6V1B1 c.448C>T (p.Gln150X) results in a premature termination codon, predicted to cause a truncation of the encoded protein or absence of the protein due to nonsense mediated decay, which are commonly known mechanisms for disease. Truncations downstream of this position have been classified as pathogenic in ClinVar. The variant allele was found at a frequency of 4e-06 in 250858 control chromosomes (gnomAD). To our knowledge, no occurrence of c.448C>T in individuals affected with Renal Tubular Acidosis With Progressive Nerve Deafness and no experimental evidence demonstrating its impact on protein function have been reported. No clinical diagnostic laboratories have submitted clinical-significance assessments for this variant to ClinVar after 2014. Based on the evidence outlined above, the variant was classified as likely pathogenic.

Literature cited by the submitters: PubMed 9916796 (cited by Labcorp Genetics (formerly Invitae), Labcorp); PubMed 18368028 (cited by Labcorp Genetics (formerly Invitae), Labcorp).

NM_001692.4(ATP6V1B1):c.448C>T (p.Gln150Ter)

Gene: ATP6V1B1 (ATPase H+ transporting V1 subunit B1; plus strand). Cytogenetic location: 2p13.3.
Variant type: single nucleotide variant.
Coding change: c.448C>T on transcript NM_001692.4 (MANE Select); coding-DNA position 448, C replaced by T.
Protein change: p.Gln150Ter; replaces glutamine 150 with a stop codon.
Molecular consequence: nonsense.
Genome position (GRCh38, 1-based): chr2:70,959,941, C>T. VCF-style: chr2-70959941-C-T. GRCh37 (hg19) VCF-style: chr2-71187071-C-T.
Other names: short protein forms Q150*.
Identifiers: ClinVar variation 2501126 (VCV002501126.4), dbSNP rs1553419743, ClinGen allele CA347181775.